The following is an entry in ClinVar:

ClinVar aggregate classification (germline): Uncertain significance. Review status: criteria provided, multiple submitters, no conflicts (2 of 4 stars). 3 submissions from 3 submitters: Uncertain significance (2). 1 of the submissions does not count toward it. Last evaluated 2024-11-05.

Conditions:
Retinal dystrophy. Also called: Inherited retinal dystrophy. Identifiers: Orphanet 71862, MedGen C0854723, MeSH D058499, MONDO:0019118, HP:0000556.

Allele frequency attached by ClinVar (database versions not stated): ESP Exome Variant Server 0.00008; gnomAD exomes 0.00014 and 0.00015; TOPMed 0.00014; 1000 Genomes Project 30x 0.00016; ExAC 0.00018.
gnomAD v4.1: 227 of 1,613,136 alleles (0.014%); highest among the groups gnomAD compares: Middle Eastern, 0.033%; no homozygotes.

Submissions (3):

Labcorp Genetics (formerly Invitae), Labcorp
Classification: Uncertain significance. Last evaluated: 2024-11-05. Review status: criteria provided, single submitter. Criteria: Invitae Variant Classification Sherloc (09022015). Collection method: clinical testing. Allele origin: germline.
Comment: This sequence change replaces aspartic acid, which is acidic and polar, with glycine, which is neutral and non-polar, at codon 109 of the ATF6 protein (p.Asp109Gly). This variant is present in population databases (rs2271011, gnomAD 0.03%). This variant has not been reported in the literature in individuals affected with ATF6-related conditions. ClinVar contains an entry for this variant (Variation ID: 839000). Invitae Evidence Modeling of protein sequence and biophysical properties (such as structural, functional, and spatial information, amino acid conservation, physicochemical variation, residue mobility, and thermodynamic stability) indicates that this missense variant is not expected to disrupt ATF6 protein function with a negative predictive value of 80%. In summary, the available evidence is currently insufficient to determine the role of this variant in disease. Therefore, it has been classified as a Variant of Uncertain Significance.

Blueprint Genetics
Classification: Uncertain significance. Last evaluated: 2024-10-28. Review status: criteria provided, single submitter. Criteria: ACMG Guidelines, 2015. Collection method: clinical testing. Allele origin: germline.

Institute of Human Genetics, Univ. Regensburg, Univ. Regensburg
Classification: Uncertain significance for Retinal dystrophy. Last evaluated: 2023-01-01. Review status: no assertion criteria provided. Criteria: ACMG Guidelines, 2015. Collection method: clinical testing. Allele origin: germline. Affected: yes. Not counted in ClinVar's aggregate classification.

NM_007348.4(ATF6):c.326A>G (p.Asp109Gly)

Gene: ATF6 (activating transcription factor 6; plus strand). Cytogenetic location: 1q23.3.
Variant type: single nucleotide variant.
Coding change: c.326A>G on transcript NM_007348.4 (MANE Select); coding-DNA position 326, A replaced by G.
Protein change: p.Asp109Gly; replaces aspartic acid 109 with glycine.
Molecular consequence: missense variant.
Genome position (GRCh38, 1-based): chr1:161,784,068, A>G. VCF-style: chr1-161784068-A-G. GRCh37 (hg19) VCF-style: chr1-161753858-A-G.
Other names: short protein forms D109G.
Identifiers: ClinVar variation 839000 (VCV000839000.7), dbSNP rs2271011, ClinGen allele CA1214167.